The following is an entry in ClinVar:

ClinVar aggregate classification (germline): Benign. Review status: criteria provided, multiple submitters, no conflicts (2 of 4 stars). 3 submissions from 3 submitters: Benign (2). 1 of the submissions does not count toward it. Last evaluated 2026-01-26.

Conditions:
Corticosterone methyl oxidase type II deficiency.

Allele frequency attached by ClinVar (database versions not stated): gnomAD exomes 0.00038 and 0.00105; ExAC 0.00131; 1000 Genomes Project 30x 0.00297; 1000 Genomes Project 0.00339; gnomAD 0.00379 and 0.00399; ESP Exome Variant Server 0.00446; TOPMed 0.00459.
gnomAD v4.1: 1,164 of 1,611,704 alleles (0.072%); highest among the groups gnomAD compares: African/African-American, 1.3%; 9 homozygotes.

Submissions (3):

Labcorp Genetics (formerly Invitae), Labcorp
Classification: Benign. Last evaluated: 2026-01-26. Review status: criteria provided, single submitter. Criteria: Invitae Variant Classification Sherloc (09022015). Collection method: clinical testing. Allele origin: germline.

Mayo Clinic Laboratories, Mayo Clinic
Classification: Benign. Last evaluated: 2024-12-03. Review status: criteria provided, single submitter. Criteria: ACMG Guidelines, 2015. Collection method: clinical testing. Allele origin: germline. Observed: 2 variant alleles.
Comment: BS1, BS2, BP4, BP7

Natera, Inc.
Classification: Benign for Corticosterone methyl oxidase type II deficiency. Last evaluated: 2020-09-16. Review status: no assertion criteria provided. Collection method: clinical testing. Allele origin: germline. Not counted in ClinVar's aggregate classification.

NM_000498.3(CYP11B2):c.1122-10C>T

Genes: CYP11B2 (cytochrome P450 family 11 subfamily B member 2; minus strand), LOC106799834 (CYP11B2 recombination region; plus strand). Cytogenetic location: 8q24.3.
Variant type: single nucleotide variant.
Coding change: c.1122-10C>T on transcript NM_000498.3 (MANE Select); 10 bases into the intron before coding-DNA position 1122, C replaced by T.
Molecular consequence: intron variant.
Genome position (GRCh38, 1-based): chr8:142,912,895, G>A on the plus strand (C>T on the coding strand, the complement: CYP11B2 is on the minus strand). VCF-style: chr8-142912895-G-A. GRCh37 (hg19) VCF-style: chr8-143994311-G-A.
Other names: p.?.
Identifiers: ClinVar variation 718478 (VCV000718478.13), dbSNP rs199811757, ClinGen allele CA4905912.